The following is an entry in ClinVar:

NM_018192.4(P3H2):c.1330C>G (p.Pro444Ala)

Gene: P3H2 (prolyl 3-hydroxylase 2; minus strand). Cytogenetic location: 3q28.
Variant type: single nucleotide variant.
Coding change: c.1330C>G on transcript NM_018192.4 (MANE Select); coding-DNA position 1330, C replaced by G.
Protein change: p.Pro444Ala; replaces proline 444 with alanine.
Molecular consequence: missense variant.
Genome position (GRCh38, 1-based): chr3:189,974,680, G>C on the plus strand (C>G on the coding strand, the complement: P3H2 is on the minus strand). VCF-style: chr3-189974680-G-C. GRCh37 (hg19) VCF-style: chr3-189692469-G-C.
Other names: c.787C>G, p.Pro263Ala (NM_001134418.2); short protein forms P444A, P263A.
Identifiers: ClinVar variation 953623 (VCV000953623.6), dbSNP rs151035620, ClinGen allele CA2752967.

ClinVar aggregate classification (germline): Uncertain significance (1 of 4 stars; one submission).

Allele frequency attached by ClinVar (database versions not stated): gnomAD exomes 0.00001; ExAC 0.00002; gnomAD 0.00004 and 0.00005; TOPMed 0.00004; ESP Exome Variant Server 0.00015; 1000 Genomes Project 30x 0.00016; 1000 Genomes Project 0.00020.
gnomAD v4.1: 10 of 1,614,134 alleles (0.00062%); highest among the groups gnomAD compares: African/African-American, 0.012%; no homozygotes.

Submission:

Labcorp Genetics (formerly Invitae), Labcorp
Classification: Uncertain significance. Last evaluated: 2022-10-24. Review status: criteria provided, single submitter. Criteria: Invitae Variant Classification Sherloc (09022015). Collection method: clinical testing. Allele origin: germline.
Comment: Advanced modeling of protein sequence and biophysical properties (such as structural, functional, and spatial information, amino acid conservation, physicochemical variation, residue mobility, and thermodynamic stability) performed at Invitae indicates that this missense variant is not expected to disrupt P3H2 protein function. In summary, the available evidence is currently insufficient to determine the role of this variant in disease. Therefore, it has been classified as a Variant of Uncertain Significance. ClinVar contains an entry for this variant (Variation ID: 953623). This variant has not been reported in the literature in individuals affected with P3H2-related conditions. This variant is present in population databases (rs151035620, gnomAD 0.02%). This sequence change replaces proline, which is neutral and non-polar, with alanine, which is neutral and non-polar, at codon 444 of the P3H2 protein (p.Pro444Ala).